The following is an entry in ClinVar:

NM_000059.4(BRCA2):c.7730A>G (p.Lys2577Arg)

Gene: BRCA2 (BRCA2 DNA repair associated; plus strand). Cytogenetic location: 13q13.1.
Variant type: single nucleotide variant.
Coding change: c.7730A>G on transcript NM_000059.4 (MANE Select); coding-DNA position 7730, A replaced by G.
Protein change: p.Lys2577Arg; replaces lysine 2577 with arginine.
Molecular consequence: missense variant.
Genome position (GRCh38, 1-based): chr13:32,357,854, A>G. VCF-style: chr13-32357854-A-G. GRCh37 (hg19) VCF-style: chr13-32931991-A-G.
Other names: short protein forms K2577R.
Identifiers: ClinVar variation 531378 (VCV000531378.7), dbSNP rs1555286431, ClinGen allele CA387745536.

ClinVar aggregate classification (germline): Uncertain significance (1 of 4 stars; one submission).

Conditions:
Hereditary breast ovarian cancer syndrome. Also called: Hereditary breast and ovarian cancer syndrome (HBOC); BRCA1- and BRCA2-Associated Hereditary Breast and Ovarian Cancer; Hereditary breast and ovarian cancer syndrome; Breast and ovarian cancer; Hereditary breast and ovarian cancer; Hereditary breast and/or ovarian cancer syndrome. Identifiers: Orphanet 145, MedGen C0677776, MeSH D061325, MONDO:0003582. Disease mechanism: loss of function.

Submission:

Labcorp Genetics (formerly Invitae), Labcorp
Classification: Uncertain significance for Hereditary breast ovarian cancer syndrome. Last evaluated: 2022-08-09. Review status: criteria provided, single submitter. Criteria: Invitae Variant Classification Sherloc (09022015). Collection method: clinical testing. Allele origin: germline.
Comment: In summary, the available evidence is currently insufficient to determine the role of this variant in disease. Therefore, it has been classified as a Variant of Uncertain Significance. Advanced modeling of protein sequence and biophysical properties (such as structural, functional, and spatial information, amino acid conservation, physicochemical variation, residue mobility, and thermodynamic stability) performed at Invitae indicates that this missense variant is not expected to disrupt BRCA2 protein function. ClinVar contains an entry for this variant (Variation ID: 531378). This variant has not been reported in the literature in individuals affected with BRCA2-related conditions. This variant is not present in population databases (gnomAD no frequency). This sequence change replaces lysine, which is basic and polar, with arginine, which is basic and polar, at codon 2577 of the BRCA2 protein (p.Lys2577Arg).